The following is an entry in ClinVar:

NM_020778.5(ALPK3):c.701G>T (p.Gly234Val)

Gene: ALPK3 (alpha kinase 3; plus strand). Cytogenetic location: 15q25.3.
Variant type: single nucleotide variant.
Coding change: c.701G>T on transcript NM_020778.5 (MANE Select); coding-DNA position 701, G replaced by T.
Protein change: p.Gly234Val; replaces glycine 234 with valine.
Molecular consequence: missense variant.
Genome position (GRCh38, 1-based): chr15:84,839,980, G>T. VCF-style: chr15-84839980-G-T. GRCh37 (hg19) VCF-style: chr15-85383211-G-T.
Other names: short protein forms G234V.
Identifiers: ClinVar variation 1515420 (VCV001515420.8), dbSNP rs1278708077, ClinGen allele CA393373331.

ClinVar aggregate classification (germline): Uncertain significance (1 of 4 stars; one submission).

Submission:

Labcorp Genetics (formerly Invitae), Labcorp
Classification: Uncertain significance. Last evaluated: 2021-02-21. Review status: criteria provided, single submitter. Criteria: Invitae Variant Classification Sherloc (09022015). Collection method: clinical testing. Allele origin: germline.
Comment: Algorithms developed to predict the effect of missense changes on protein structure and function output the following: SIFT: "Tolerated"; PolyPhen-2: "Benign"; Align-GVGD: "Class C0". The valine amino acid residue is found in multiple mammalian species, suggesting that this missense change does not adversely affect protein function. These predictions have not been confirmed by published functional studies and their clinical significance is uncertain. In summary, the available evidence is currently insufficient to determine the role of this variant in disease. Therefore, it has been classified as a Variant of Uncertain Significance. This variant has not been reported in the literature in individuals with ALPK3-related conditions. This variant is not present in population databases (ExAC no frequency). This sequence change replaces glycine with valine at codon 436 of the ALPK3 protein (p.Gly436Val). The glycine residue is weakly conserved and there is a moderate physicochemical difference between glycine and valine.